The following is an entry in ClinVar:

ClinVar aggregate classification (germline): Likely pathogenic (1 of 4 stars; one submission).

Conditions:
Dilated cardiomyopathy 1G (CMD1G). Identifiers: Orphanet 154, MedGen C1858763, MONDO:0011400, OMIM 604145.
Autosomal recessive limb-girdle muscular dystrophy type 2J (LGMDR10). Also called: Limb-girdle muscular dystrophy, type 2J; MUSCULAR DYSTROPHY, LIMB-GIRDLE, AUTOSOMAL RECESSIVE 10. Identifiers: Orphanet 140922, MedGen C1837342, MONDO:0012127, OMIM 608807.

Submission:

Labcorp Genetics (formerly Invitae), Labcorp
Classification: Likely pathogenic for Dilated cardiomyopathy 1G; Autosomal recessive limb-girdle muscular dystrophy type 2J. Last evaluated: 2025-12-08. Review status: criteria provided, single submitter. Criteria: Invitae Variant Classification Sherloc (09022015). Collection method: clinical testing. Allele origin: germline.
Comment: This sequence change creates a premature translational stop signal (p.Phe14453Leufs*4) in the TTN gene. While this is not anticipated to result in nonsense mediated decay, it is expected to create a truncated TTN protein. This variant is not present in population databases (gnomAD no frequency). This variant has not been reported in the literature in individuals affected with TTN-related conditions. ClinVar contains an entry for this variant (Variation ID: 3758411). This variant is located in the I band of TTN (PMID: 25589632). Truncating variants in this region have been reported in individuals affected with autosomal recessive centronuclear myopathy (PMID: 23975875, internal data). Truncating variants in this region have also been identified in individuals affected with autosomal dominant dilated cardiomyopathy and/or cardio-related conditions (PMID: 27869827, 32964742, internal data). In summary, the currently available evidence indicates that the variant is pathogenic, but additional data are needed to prove that conclusively. Therefore, this variant has been classified as Likely Pathogenic.

Literature cited by the submitters: PubMed 25589632; PubMed 23975875; PubMed 27869827; PubMed 32964742.

NM_001267550.2(TTN):c.43359del (p.Phe14453fs)

Gene: TTN (titin; minus strand). Cytogenetic location: 2q31.2.
Variant type: Deletion.
Coding change: c.43359del on transcript NM_001267550.2 (MANE Select); coding-DNA position 43359, one base deleted (T; older notation c.43359delT).
Protein change: p.Phe14453fs; shifts the reading frame from phenylalanine 14453.
Molecular consequence: frameshift variant.
Genome position (GRCh38, 1-based): chr2:178,632,647, A deleted on the plus strand (T on the coding strand, the reverse complement: TTN is on the minus strand); the first of 3 consecutive A bases (chr2:178,632,647-178,632,649); deleting any one gives the same sequence. VCF-style (leftmost placement, unchanged base first): chr2-178632646-CA-C. GRCh37 (hg19) VCF-style: chr2-179497373-CA-C.
Other names: c.38436del, p.Phe12812fs (NM_001256850.1); c.16164del, p.Phe5388fs (NM_003319.4); c.35655del, p.Phe11885fs (NM_133378.4); c.16539del, p.Phe5513fs (NM_133432.3); c.16740del, p.Phe5580fs (NM_133437.4); short protein forms F11885fs, F12812fs, F14453fs, F5388fs, F5513fs, F5580fs.
Identifiers: ClinVar variation 3758411 (VCV003758411.2).
Genomic context (GRCh38, chr2:178,632,646, plus strand): 5'-CATCTTCAAAAGCAGCTGACTTGATCACCATTGAATGCTTAGTGCCATCCTTTATAAGCT[CA>C]AATCTGTCATCACCTGTGATTTCCTGGGTTCCTTTTAGCCAACGGAATGTTTTGGGCTCC-3'